The following is an entry in ClinVar:

ClinVar aggregate classification (germline): Likely benign. Review status: criteria provided, multiple submitters, no conflicts (2 of 4 stars). 2 submissions from 2 submitters: Likely benign (2). Last evaluated 2024-01-09.

Allele frequency attached by ClinVar (database versions not stated): ExAC 0.00084.

Submissions (2):

Blueprint Genetics
Classification: Likely benign. Last evaluated: 2024-01-09. Review status: criteria provided, single submitter. Criteria: ACMG Guidelines, 2015. Collection method: clinical testing. Allele origin: germline.

CeGaT Center for Human Genetics Tuebingen
Classification: Likely benign. Last evaluated: 2023-12-01. Review status: criteria provided, single submitter. Criteria: CeGaT Center For Human Genetics Tuebingen Variant Classification Criteria Version 2. Collection method: clinical testing. Allele origin: germline. Affected: yes. Observed: 1 variant allele.
Comment: DSPP: BP4, BP7

NM_014208.3(DSPP):c.3138C>T (p.Ser1046=)

Genes: DMP1-AS1 (DMP1 and DSPP antisense RNA 1; minus strand), DSPP (dentin sialophosphoprotein; plus strand). Cytogenetic location: 4q22.1.
Variant type: single nucleotide variant.
Coding change: c.3138C>T on transcript NM_014208.3 (MANE Select); coding-DNA position 3138, C replaced by T.
Protein change: p.Ser1046=; no amino-acid change (serine 1046 retained).
Molecular consequence: synonymous variant.
Genome position (GRCh38, 1-based): chr4:87,615,800, C>T. VCF-style: chr4-87615800-C-T. GRCh37 (hg19) VCF-style: chr4-88536952-C-T.
Identifiers: ClinVar variation 3024751 (VCV003024751.23), dbSNP rs780332314, ClinGen allele CA3001432.